The following is an entry in ClinVar:

NM_001017995.3(SH3PXD2B):c.1620del (p.Glu540fs)

Gene: SH3PXD2B (SH3 and PX domains 2B; minus strand). Cytogenetic location: 5q35.1.
Variant type: Deletion.
Coding change: c.1620del on transcript NM_001017995.3 (MANE Select); coding-DNA position 1620, one base deleted (G; older notation c.1620delG).
Protein change: p.Glu540fs; shifts the reading frame from glutamic acid 540.
Molecular consequence: frameshift variant. On other transcripts: intron variant (1).
Genome position (GRCh38, 1-based): chr5:172,339,485, C deleted on the plus strand (G on the coding strand, the reverse complement: SH3PXD2B is on the minus strand). VCF-style (leftmost placement, unchanged base first): chr5-172339484-GC-G. GRCh37 (hg19) VCF-style: chr5-171766488-GC-G.
Other names: c.1188+6651del (NM_001308175.2); short protein forms E540fs.
Identifiers: ClinVar variation 4884247 (VCV004884247.2).

ClinVar aggregate classification (germline): Likely pathogenic (1 of 4 stars; one submission).

Submission:

Dasa
Classification: Likely pathogenic. Last evaluated: 2025-05-13. Review status: criteria provided, single submitter. Criteria: DASA Assertion Criteria. Collection method: clinical testing. Allele origin: germline.
Comment: NM_001017995.3(SH3PXD2B):c.1620del (p.Glu540Aspfs*20) is a frameshift variant in SH3PXD2B predicted to alter the reading frame and introduce a premature termination codon and is predicted to result in an absent or altered protein product. Loss of function is an established disease mechanism for SH3PXD2B-associated disorders. Also, this variant is absent from population databases. Based on the currently available evidence, this variant is classified as likely pathogenic.